The following is an entry in ClinVar:

ClinVar aggregate classification (germline): Uncertain significance (1 of 4 stars; one submission).

gnomAD v4.1: 1 of 1,614,098 alleles (0.000062%); highest among the groups gnomAD compares: South Asian, 0.0011%; no homozygotes.

Submission:

GeneDx
Classification: Uncertain significance. Last evaluated: 2023-12-19. Review status: criteria provided, single submitter. Criteria: GeneDx Variant Classification Process June 2021. Collection method: clinical testing. Allele origin: germline. Affected: yes.
Comment: Not observed at significant frequency in large population cohorts (gnomAD); In silico analysis supports that this missense variant has a deleterious effect on protein structure/function; Has not been previously published as pathogenic or benign to our knowledge

NM_000310.4(PPT1):c.347A>G (p.Gln116Arg)

Gene: PPT1 (palmitoyl-protein thioesterase 1; minus strand). Cytogenetic location: 1p34.2.
Variant type: single nucleotide variant.
Coding change: c.347A>G on transcript NM_000310.4 (MANE Select); coding-DNA position 347, A replaced by G.
Protein change: p.Gln116Arg; replaces glutamine 116 with arginine.
Molecular consequence: missense variant. On other transcripts: intron variant (1).
Genome position (GRCh38, 1-based): chr1:40,092,060, T>C on the plus strand (A>G on the coding strand, the complement: PPT1 is on the minus strand). VCF-style: chr1-40092060-T-C. GRCh37 (hg19) VCF-style: chr1-40557732-T-C.
Other names: c.347A>G, p.Gln116Arg (NM_001363695.2); c.125-2548A>G (NM_001142604.2); short protein forms Q116R.
Identifiers: ClinVar variation 3365945 (VCV003365945.1).